The following is an entry in ClinVar:

NM_003114.5(SPAG1):c.1205G>C (p.Gly402Ala)

Genes: SPAG1 (sperm associated antigen 1; plus strand), LOC130000832 (ATAC-STARR-seq lymphoblastoid silent region 19412; plus strand). Cytogenetic location: 8q22.2.
Variant type: single nucleotide variant.
Coding change: c.1205G>C on transcript NM_003114.5 (MANE Select); coding-DNA position 1205, G replaced by C.
Protein change: p.Gly402Ala; replaces glycine 402 with alanine.
Molecular consequence: missense variant.
Genome position (GRCh38, 1-based): chr8:100,213,198, G>C. VCF-style: chr8-100213198-G-C. GRCh37 (hg19) VCF-style: chr8-101225426-G-C.
Other names: c.1205G>C, p.Gly402Ala (NM_001374321.1, NM_172218.3); short protein forms G402A.
Identifiers: ClinVar variation 4172443 (VCV004172443.1).
Genomic context (GRCh38, chr8:100,213,198, plus strand): 5'-TGGGCAACATCCAGAAGAAGCTGACTGGCAAAGCCGAAGGCGGCAAGCGGCCGGCAAGGG[G>C]CGCGCCGCAGCGGGGCCAGACCCCGGAGGCCGGCGCGGACAAGCGGAGCCCACGGCGGGC-3'
Protein context (NP_003105.2, residues 392-412): KAEGGKRPAR[Gly402Ala]APQRGQTPEA

ClinVar aggregate classification (germline): Uncertain significance (1 of 4 stars; one submission).

Conditions:
Primary ciliary dyskinesia. Also called: Ciliary dyskinesia. Identifiers: Orphanet 244, MedGen C0008780, MONDO:0016575, HP:0012265.

Submission:

Ambry Genetics
Classification: Uncertain significance for Primary ciliary dyskinesia. Last evaluated: 2025-08-12. Review status: criteria provided, single submitter. Criteria: Ambry Variant Classification Scheme 2023. Collection method: clinical testing. Allele origin: germline.
Comment: The p.G402A variant (also known as c.1205G>C), located in coding exon 10 of the SPAG1 gene, results from a G to C substitution at nucleotide position 1205. The glycine at codon 402 is replaced by alanine, an amino acid with similar properties. This amino acid position is conserved. In addition, this alteration is predicted to be tolerated by in silico analysis. Based on the available evidence, the clinical significance of this variant remains unclear.